The following is an entry in ClinVar:

ClinVar aggregate classification (germline): Uncertain significance (1 of 4 stars; one submission).

gnomAD v4.1: 2 of 1,614,036 alleles (0.00012%); highest among the groups gnomAD compares: Admixed American, 0.0017%; no homozygotes.

Submission:

Labcorp Genetics (formerly Invitae), Labcorp
Classification: Uncertain significance. Last evaluated: 2024-04-27. Review status: criteria provided, single submitter. Criteria: Invitae Variant Classification Sherloc (09022015). Collection method: clinical testing. Allele origin: germline.
Comment: This sequence change replaces asparagine, which is neutral and polar, with serine, which is neutral and polar, at codon 18 of the EFL1 protein (p.Asn18Ser). This variant is not present in population databases (gnomAD no frequency). This variant has not been reported in the literature in individuals affected with EFL1-related conditions. Advanced modeling of protein sequence and biophysical properties (such as structural, functional, and spatial information, amino acid conservation, physicochemical variation, residue mobility, and thermodynamic stability) performed at Invitae indicates that this missense variant is not expected to disrupt EFL1 protein function with a negative predictive value of 80%. In summary, the available evidence is currently insufficient to determine the role of this variant in disease. Therefore, it has been classified as a Variant of Uncertain Significance.

NM_024580.6(EFL1):c.53A>G (p.Asn18Ser)

Gene: EFL1 (elongation factor like GTPase 1; minus strand). Cytogenetic location: 15q25.2.
Variant type: single nucleotide variant.
Coding change: c.53A>G on transcript NM_024580.6 (MANE Select); coding-DNA position 53, A replaced by G.
Protein change: p.Asn18Ser; replaces asparagine 18 with serine.
Molecular consequence: missense variant. On other transcripts: 5 prime UTR variant (1), non-coding transcript variant (1).
Genome position (GRCh38, 1-based): chr15:82,261,726, T>C on the plus strand (A>G on the coding strand, the complement: EFL1 is on the minus strand). VCF-style: chr15-82261726-T-C. GRCh37 (hg19) VCF-style: chr15-82554067-T-C.
Other names: c.53A>G, p.Asn18Ser (NM_001040610.3, NM_001322845.2); c.-652A>G (NM_001322844.2); short protein forms N18S.
Identifiers: ClinVar variation 3625811 (VCV003625811.2).